The following is an entry in ClinVar:

ClinVar aggregate classification (germline): Pathogenic (1 of 4 stars; one submission).

Conditions:
Cornelia de Lange syndrome 1 (CDLS1). Also called: Brachmann de Lange syndrome; NIPBL-Related Cornelia de Lange Syndrome; TYPUS DEGENERATIVUS AMSTELODAMENSIS. Identifiers: Orphanet 199, MedGen C4551851, MONDO:0007387, OMIM 122470.

Submission:

Labcorp Genetics (formerly Invitae), Labcorp
Classification: Pathogenic for Cornelia de Lange syndrome 1. Last evaluated: 2018-05-07. Review status: criteria provided, single submitter. Criteria: Invitae Variant Classification Sherloc (09022015). Collection method: clinical testing. Allele origin: germline.
Comment: For these reasons, this variant has been classified as Pathogenic. Loss-of-function variants in NIPBL are known to be pathogenic (PMID: 24038889). This variant has not been reported in the literature in individuals with NIPBL-related disease. This variant is not present in population databases (ExAC no frequency). This sequence change creates a premature translational stop signal (p.Ser484*) in the NIPBL gene. It is expected to result in an absent or disrupted protein product.

Literature cited by the submitters: PubMed 24038889.

NM_133433.4(NIPBL):c.1451C>G (p.Ser484Ter)

Gene: NIPBL (NIPBL cohesin loading factor; plus strand). Cytogenetic location: 5p13.2.
Variant type: single nucleotide variant.
Coding change: c.1451C>G on transcript NM_133433.4 (MANE Select); coding-DNA position 1451, C replaced by G.
Protein change: p.Ser484Ter; replaces serine 484 with a stop codon.
Molecular consequence: nonsense.
Genome position (GRCh38, 1-based): chr5:36,976,358, C>G. VCF-style: chr5-36976358-C-G. GRCh37 (hg19) VCF-style: chr5-36976460-C-G.
Other names: c.1451C>G, p.Ser484Ter (NM_015384.5); short protein forms S484*.
Identifiers: ClinVar variation 572591 (VCV000572591.6), dbSNP rs1561102868, ClinGen allele CA359487672.
Genomic context (GRCh38, chr5:36,976,358, plus strand): 5'-CTATATATGATGAAGTGGAATTGGATGCATTGGCTGAAATTGAGCGAATAGAGAGAGAAT[C>G]AGCTATTGAAAGGGAGCGCTTCTCAAAAGAAGTTCAAGATAAAGGTAAAATAATCTCATT-3'